The following is an entry in ClinVar:

ClinVar aggregate classification (germline): Uncertain significance. Review status: criteria provided, multiple submitters, no conflicts (2 of 4 stars). 2 submissions from 2 submitters: Uncertain significance (2). Last evaluated 2024-07-29.

Conditions:
Gorlin syndrome. Also called: Nevoid Basal Cell Carcinoma Syndrome; Basal cell nevus syndrome. Identifiers: Orphanet 377, MedGen C0004779, MONDO:0007187.

Allele frequency attached by ClinVar (database versions not stated): gnomAD exomes below 0.00001.
gnomAD v4.1: 4 of 1,613,944 alleles (0.00025%); highest among the groups gnomAD compares: Non-Finnish European, 0.00025%; no homozygotes.

Submissions (2):

Labcorp Genetics (formerly Invitae), Labcorp
Classification: Uncertain significance for Gorlin syndrome. Last evaluated: 2024-07-29. Review status: criteria provided, single submitter. Criteria: Invitae Variant Classification Sherloc (09022015). Collection method: clinical testing. Allele origin: germline.
Comment: This sequence change replaces glutamine, which is neutral and polar, with histidine, which is basic and polar, at codon 793 of the PTCH2 protein (p.Gln793His). This variant is present in population databases (no rsID available, gnomAD 0.0009%). This variant has not been reported in the literature in individuals affected with PTCH2-related conditions. Advanced modeling of protein sequence and biophysical properties (such as structural, functional, and spatial information, amino acid conservation, physicochemical variation, residue mobility, and thermodynamic stability) has been performed at Invitae for this missense variant, however the output from this modeling did not meet the statistical confidence thresholds required to predict the impact of this variant on PTCH2 protein function. In summary, the available evidence is currently insufficient to determine the role of this variant in disease. Therefore, it has been classified as a Variant of Uncertain Significance.

Ambry Genetics
Classification: Uncertain significance. Last evaluated: 2024-03-11. Review status: criteria provided, single submitter. Criteria: Ambry Variant Classification Scheme 2023. Collection method: clinical testing. Allele origin: germline.

NM_003738.5(PTCH2):c.2379G>C (p.Gln793His)

Gene: PTCH2 (patched 2; minus strand). Cytogenetic location: 1p34.1.
Variant type: single nucleotide variant.
Coding change: c.2379G>C on transcript NM_003738.5 (MANE Select); coding-DNA position 2379, G replaced by C.
Protein change: p.Gln793His; replaces glutamine 793 with histidine.
Molecular consequence: missense variant.
Genome position (GRCh38, 1-based): chr1:44,827,302, C>G on the plus strand (G>C on the coding strand, the complement: PTCH2 is on the minus strand). VCF-style: chr1-44827302-C-G. GRCh37 (hg19) VCF-style: chr1-45292974-C-G.
Other names: c.2379G>C, p.Gln793His (NM_001166292.2); c.2379G>C (NM_003738.4); short protein forms Q793H.
Identifiers: ClinVar variation 2955076 (VCV002955076.4), dbSNP rs1240643433, ClinGen allele CA340095710.